The following is an entry in ClinVar:

ClinVar aggregate classification (germline): Uncertain significance. Review status: criteria provided, multiple submitters, no conflicts (2 of 4 stars). 2 submissions from 2 submitters: Uncertain significance (2). Last evaluated 2025-11-08.

Conditions:
Inborn genetic diseases. Identifiers: MedGen C0950123, MeSH D030342.
Baller-Gerold syndrome (BGS). Also called: CRANIOSYNOSTOSIS WITH RADIAL DEFECTS. Identifiers: Orphanet 1225, MedGen C0265308, MONDO:0009039, OMIM 218600.

gnomAD v4.1: 3 of 1,302,606 alleles (0.00023%); highest among the groups gnomAD compares: Non-Finnish European, 0.0002%; no homozygotes.

Submissions (2):

Ambry Genetics
Classification: Uncertain significance for Inborn genetic diseases. Last evaluated: 2025-11-08. Review status: criteria provided, single submitter. Criteria: Ambry Variant Classification Scheme 2023. Collection method: clinical testing. Allele origin: germline.

Labcorp Genetics (formerly Invitae), Labcorp
Classification: Uncertain significance for Baller-Gerold syndrome. Last evaluated: 2025-03-31. Review status: criteria provided, single submitter. Criteria: Invitae Variant Classification Sherloc (09022015). Collection method: clinical testing. Allele origin: germline.
Comment: This sequence change replaces arginine, which is basic and polar, with glycine, which is neutral and non-polar, at codon 8 of the RECQL4 protein (p.Arg8Gly). This variant is not present in population databases (gnomAD no frequency). This variant has not been reported in the literature in individuals affected with RECQL4-related conditions. ClinVar contains an entry for this variant (Variation ID: 1043135). Experimental studies and prediction algorithms are not available or were not evaluated, and the functional significance of this variant is currently unknown. In summary, the available evidence is currently insufficient to determine the role of this variant in disease. Therefore, it has been classified as a Variant of Uncertain Significance.

NM_004260.4(RECQL4):c.22C>G (p.Arg8Gly)

Genes: RECQL4 (RecQ like helicase 4; minus strand), LOC130001411 (ATAC-STARR-seq lymphoblastoid silent region 19699; plus strand). Cytogenetic location: 8q24.3.
Variant type: single nucleotide variant.
Coding change: c.22C>G on transcript NM_004260.4 (MANE Select); coding-DNA position 22, C replaced by G.
Protein change: p.Arg8Gly; replaces arginine 8 with glycine.
Molecular consequence: missense variant.
Genome position (GRCh38, 1-based): chr8:144,517,763, G>C on the plus strand (C>G on the coding strand, the complement: RECQL4 is on the minus strand). VCF-style: chr8-144517763-G-C. GRCh37 (hg19) VCF-style: chr8-145743147-G-C.
Other names: c.22C>G (NM_004260.3); short protein forms R8G.
Identifiers: ClinVar variation 1043135 (VCV001043135.5), dbSNP rs1554905170, ClinGen allele CA372693966.